The following is an entry in ClinVar:

ClinVar aggregate classification (germline): Likely benign. Review status: criteria provided, single submitter (1 of 4 stars). 2 submissions from 2 submitters: Likely benign (1). 1 of the submissions does not count toward it. Last evaluated 2025-11-05.

Conditions:
PCNT-related disorder. Also called: PCNT-related condition.

Allele frequency attached by ClinVar (database versions not stated): TOPMed below 0.00001; gnomAD exomes 0.00002.
gnomAD v4.1: 31 of 1,614,230 alleles (0.0019%); highest among the groups gnomAD compares: Non-Finnish European, 0.0026%; no homozygotes.

Submissions (2):

Labcorp Genetics (formerly Invitae), Labcorp
Classification: Likely benign. Last evaluated: 2025-11-05. Review status: criteria provided, single submitter. Criteria: Invitae Variant Classification Sherloc (09022015). Collection method: clinical testing. Allele origin: germline.

PreventionGenetics, part of Exact Sciences
Classification: Likely benign for PCNT-related condition. Last evaluated: 2022-06-21. Review status: no assertion criteria provided. Collection method: clinical testing. Allele origin: germline. Not counted in ClinVar's aggregate classification.
Comment: This variant is classified as likely benign based on ACMG/AMP sequence variant interpretation guidelines (Richards et al. 2015 PMID: 25741868, with internal and published modifications).

NM_006031.6(PCNT):c.3009A>G (p.Lys1003=)

Gene: PCNT (pericentrin; plus strand). Cytogenetic location: 21q22.3.
Variant type: single nucleotide variant.
Coding change: c.3009A>G on transcript NM_006031.6 (MANE Select); coding-DNA position 3009, A replaced by G.
Protein change: p.Lys1003=; no amino-acid change (lysine 1003 retained).
Molecular consequence: synonymous variant.
Genome position (GRCh38, 1-based): chr21:46,366,983, A>G. VCF-style: chr21-46366983-A-G. GRCh37 (hg19) VCF-style: chr21-47786898-A-G.
Other names: c.3009A>G (NM_006031.5); c.2655A>G, p.Lys885= (NM_001315529.2).
Identifiers: ClinVar variation 2900683 (VCV002900683.5), dbSNP rs2084951723, ClinGen allele CA513173735.